The following is an entry in ClinVar:

NM_031844.3(HNRNPU):c.263_283dup (p.Glu94_Gly95insGluGluGluGluGluGluGlu)

Gene: HNRNPU (heterogeneous nuclear ribonucleoprotein U; minus strand). Cytogenetic location: 1q44.
Variant type: Duplication.
Coding change: c.263_283dup on transcript NM_031844.3 (MANE Select); coding-DNA positions 263 to 283, 21 bases duplicated (AAGAGGAAGAGGAGGAGGAAG).
Protein change: p.Glu94_Gly95insGluGluGluGluGluGluGlu.
Genome position (GRCh38, 1-based): chr1:244,864,025-244,864,045, CTTCCTCCTCCTCTTCCTCTT duplicated on the plus strand (AAGAGGAAGAGGAGGAGGAAG on the coding strand, the reverse complement: HNRNPU is on the minus strand); duplicating any 21 consecutive bases within chr1:244,864,025-244,864,046 gives the same sequence; the c. name uses the placement nearest the transcript's 3' end. VCF-style (leftmost placement, unchanged base first): chr1-244864024-C-CCTTCCTCCTCCTCTTCCTCTT. GRCh37 (hg19) VCF-style: chr1-245027326-C-CCTTCCTCCTCCTCTTCCTCTT.
Other names: c.263_283dup, p.Glu94_Gly95insGluGluGluGluGluGluGlu (NM_004501.3).
Identifiers: ClinVar variation 4795667 (VCV004795667.1).

ClinVar aggregate classification (germline): Uncertain significance (1 of 4 stars; one submission).

Submission:

GeneDx
Classification: Uncertain significance. Last evaluated: 2025-08-12. Review status: criteria provided, single submitter. Criteria: GeneDx Variant Classification Process June 2021. Collection method: clinical testing. Allele origin: germline. Affected: yes.
Comment: Not observed at significant frequency in large population cohorts (gnomAD); In-frame duplication of 7 amino acid(s) in a non-repeat region; Has not been previously published as pathogenic or benign to our knowledge